The following is an entry in ClinVar:

ClinVar aggregate classification (germline): Uncertain significance. Review status: criteria provided, multiple submitters, no conflicts (2 of 4 stars). 3 submissions from 3 submitters: Uncertain significance (3). Last evaluated 2025-04-14.

Conditions:
Inborn genetic diseases. Identifiers: MedGen C0950123, MeSH D030342.

gnomAD v4.1: 54 of 1,480,216 alleles (0.0036%); highest among the groups gnomAD compares: Non-Finnish European, 0.0048%; no homozygotes.

Submissions (3):

Labcorp Genetics (formerly Invitae), Labcorp
Classification: Uncertain significance. Last evaluated: 2025-04-14. Review status: criteria provided, single submitter. Criteria: Invitae Variant Classification Sherloc (09022015). Collection method: clinical testing. Allele origin: germline.
Comment: This sequence change replaces valine, which is neutral and non-polar, with methionine, which is neutral and non-polar, at codon 465 of the ACAN protein (p.Val465Met). The frequency data for this variant in the population databases is considered unreliable, as metrics indicate poor data quality at this position in the gnomAD database. This variant has not been reported in the literature in individuals affected with ACAN-related conditions. ClinVar contains an entry for this variant (Variation ID: 2256000). Invitae Evidence Modeling of protein sequence and biophysical properties (such as structural, functional, and spatial information, amino acid conservation, physicochemical variation, residue mobility, and thermodynamic stability) indicates that this missense variant is not expected to disrupt ACAN protein function with a negative predictive value of 80%. In summary, the available evidence is currently insufficient to determine the role of this variant in disease. Therefore, it has been classified as a Variant of Uncertain Significance.

Blueprint Genetics
Classification: Uncertain significance. Last evaluated: 2021-11-22. Review status: criteria provided, single submitter. Criteria: ACMG Guidelines, 2015. Collection method: clinical testing. Allele origin: germline.

Ambry Genetics
Classification: Uncertain significance for Inborn genetic diseases. Last evaluated: 2021-10-20. Review status: criteria provided, single submitter. Criteria: Ambry Variant Classification Scheme 2023. Collection method: clinical testing. Allele origin: germline.

NM_001369268.1(ACAN):c.1393G>A (p.Val465Met)

Gene: ACAN (aggrecan; plus strand). Cytogenetic location: 15q26.1.
Variant type: single nucleotide variant.
Coding change: c.1393G>A on transcript NM_001369268.1 (MANE Select); coding-DNA position 1393, G replaced by A.
Protein change: p.Val465Met; replaces valine 465 with methionine.
Molecular consequence: missense variant.
Genome position (GRCh38, 1-based): chr15:88,845,846, G>A. VCF-style: chr15-88845846-G-A. GRCh37 (hg19) VCF-style: chr15-89389077-G-A.
Other names: c.1393G>A, p.Val465Met (NM_001135.4, NM_001411096.1, NM_001411097.1 and 1 more transcripts); short protein forms V465M.
Identifiers: ClinVar variation 2256000 (VCV002256000.4), dbSNP rs761237568, ClinGen allele CA393710263.